The following is an entry in ClinVar:

NM_003982.4(SLC7A7):c.359T>A (p.Leu120His)

Gene: SLC7A7 (solute carrier family 7 member 7; minus strand). Cytogenetic location: 14q11.2.
Variant type: single nucleotide variant.
Coding change: c.359T>A on transcript NM_003982.4 (MANE Select); coding-DNA position 359, T replaced by A.
Protein change: p.Leu120His; replaces leucine 120 with histidine.
Molecular consequence: missense variant.
Genome position (GRCh38, 1-based): chr14:22,813,040, A>T on the plus strand (T>A on the coding strand, the complement: SLC7A7 is on the minus strand). VCF-style: chr14-22813040-A-T. GRCh37 (hg19) VCF-style: chr14-23282249-A-T.
Other names: c.359T>A, p.Leu120His (NM_001126105.3, NM_001126106.4); short protein forms L120H.
Identifiers: ClinVar variation 3374863 (VCV003374863.1).

ClinVar aggregate classification (germline): Uncertain significance (1 of 4 stars; one submission).

gnomAD v4.1: 9 of 1,614,088 alleles (0.00056%); highest among the groups gnomAD compares: Non-Finnish European, 0.00076%; no homozygotes.

Submission:

Women's Health and Genetics/Laboratory Corporation of America, LabCorp
Classification: Uncertain significance. Last evaluated: 2024-09-12. Review status: criteria provided, single submitter. Criteria: LabCorp Variant Classification Summary - May 2015. Collection method: clinical testing. Allele origin: germline.
Comment: Variant summary: SLC7A7 c.359T>A (p.Leu120His) results in a non-conservative amino acid change in the encoded protein sequence. Five of five in-silico tools predict a damaging effect of the variant on protein function. The variant was absent in 250190 control chromosomes (gnomAD). The available data on variant occurrences in the general population are insufficient to allow any conclusion about variant significance. c.359T>A has been reported in the literature in one individual affected with Lysinuric Protein Intolerance (Shinawi_2011). These data do not allow any conclusion about variant significance. To our knowledge, no experimental evidence demonstrating an impact on protein function has been reported. The following publication have been ascertained in the context of this evaluation (PMID: 21716135). No submitters have cited clinical-significance assessments for this variant to ClinVar. Based on the evidence outlined above, the variant was classified as uncertain significance.

Literature cited by the submitters: PubMed 21716135.